The following is an entry in ClinVar:

NM_198252.3(GSN):c.272G>T (p.Arg91Leu)

Gene: GSN (gelsolin; plus strand). Cytogenetic location: 9q33.2.
Variant type: single nucleotide variant.
Coding change: c.272G>T on transcript NM_198252.3 (MANE Select); coding-DNA position 272, G replaced by T.
Protein change: p.Arg91Leu; replaces arginine 91 with leucine.
Molecular consequence: missense variant. On other transcripts: 5 prime UTR variant (1).
Genome position (GRCh38, 1-based): chr9:121,302,986, G>T. VCF-style: chr9-121302986-G-T. GRCh37 (hg19) VCF-style: chr9-124065264-G-T.
Other names: c.305G>T, p.Arg102Leu (NM_001127667.2, NM_001127666.2, NM_001353063.2 and 13 more transcripts); c.323G>T, p.Arg108Leu (NM_001258029.2); c.296G>T, p.Arg99Leu (NM_001258030.2); c.272G>T, p.Arg91Leu (NM_001353053.1, NM_001353054.1, NM_001353055.2 and 10 more transcripts); c.425G>T, p.Arg142Leu (NM_000177.5); c.380G>T, p.Arg127Leu (NM_001127663.2); c.344G>T, p.Arg115Leu (NM_001353076.2); c.-383G>T (NM_001353078.2); short protein forms R108L, R115L, R91L, R102L, R142L, R99L, R127L.
Identifiers: ClinVar variation 2983454 (VCV002983454.11), dbSNP rs138153246, ClinGen allele CA5220826.

ClinVar aggregate classification (germline): Conflicting classifications of pathogenicity. Review status: criteria provided, conflicting classifications (1 of 4 stars). 2 submissions from 2 submitters: Uncertain significance (1); Likely benign (1). Last evaluated 2025-07-21.

Allele frequency attached by ClinVar (database versions not stated): ESP Exome Variant Server 0.00015.
gnomAD v4.1: 40 of 1,613,752 alleles (0.0025%); highest among the groups gnomAD compares: Middle Eastern, 0.016%; no homozygotes.

Submissions (2):

Labcorp Genetics (formerly Invitae), Labcorp
Classification: Uncertain significance. Last evaluated: 2025-07-21. Review status: criteria provided, single submitter. Criteria: Invitae Variant Classification Sherloc (09022015). Collection method: clinical testing. Allele origin: germline.
Comment: This sequence change replaces arginine, which is basic and polar, with leucine, which is neutral and non-polar, at codon 142 of the GSN protein (p.Arg142Leu). This variant is present in population databases (rs138153246, gnomAD 0.01%). This variant has not been reported in the literature in individuals affected with GSN-related conditions. ClinVar contains an entry for this variant (Variation ID: 2983454). An algorithm developed to predict the effect of missense changes on protein structure and function (PolyPhen-2) suggests that this variant is likely to be tolerated. In summary, the available evidence is currently insufficient to determine the role of this variant in disease. Therefore, it has been classified as a Variant of Uncertain Significance.

CeGaT Center for Human Genetics Tuebingen
Classification: Likely benign. Last evaluated: 2025-07-01. Review status: criteria provided, single submitter. Criteria: CeGaT Center For Human Genetics Tuebingen Variant Classification Criteria Version 2. Collection method: clinical testing. Allele origin: germline. Affected: yes. Observed: 1 variant allele.
Comment: GSN: BP4